The following is an entry in ClinVar:

ClinVar aggregate classification (germline): Conflicting classifications of pathogenicity. Review status: criteria provided, conflicting classifications (1 of 4 stars). 11 submissions from 11 submitters: Uncertain significance (3); Benign (1); Likely benign (7). Last evaluated 2026-07-01.

Conditions:
RBM20-related disorder. Also called: RBM20-related condition.
Cardiovascular phenotype. Identifiers: MedGen CN230736.
Cardiomyopathy (CMYO). Also called: Cardiomyopathies. Identifiers: Orphanet 167848, MedGen C0878544, MONDO:0004994, HP:0001638. Inheritance: Various modes of inheritance.
Dilated cardiomyopathy 1DD (CMD1DD). Identifiers: Orphanet 154, MedGen C2750995, MONDO:0013168, OMIM 613172.

Allele frequency attached by ClinVar (database versions not stated): gnomAD 0.00023 and 0.00024; ESP Exome Variant Server 0.00044; TOPMed 0.00018.
gnomAD v4.1: 269 of 1,510,726 alleles (0.018%); highest among the groups gnomAD compares: Non-Finnish European, 0.019%; no homozygotes.

Submissions (11):

CeGaT Center for Human Genetics Tuebingen
Classification: Likely benign. Last evaluated: 2026-07-01. Review status: criteria provided, single submitter. Criteria: CeGaT Center For Human Genetics Tuebingen Variant Classification Criteria Version 2. Collection method: clinical testing. Allele origin: germline. Affected: yes. Observed: 7 variant alleles.
Comment: RBM20: BP4

Labcorp Genetics (formerly Invitae), Labcorp
Classification: Likely benign for Dilated cardiomyopathy 1DD. Last evaluated: 2026-02-01. Review status: criteria provided, single submitter. Criteria: Invitae Variant Classification Sherloc (09022015). Collection method: clinical testing. Allele origin: germline.

Women's Health and Genetics/Laboratory Corporation of America, LabCorp
Classification: Likely benign. Last evaluated: 2026-01-26. Review status: criteria provided, single submitter. Criteria: LabCorp Variant Classification Summary - May 2015. Collection method: clinical testing. Allele origin: germline.
Comment: Variant summary: RBM20 c.2452G>T (p.Ala818Ser) results in a conservative amino acid change in the encoded protein sequence. Algorithms developed to predict the effect of missense changes on protein structure and function all suggest that this variant is likely to be tolerated. The variant allele was found at a frequency of 0.00032 in 123062 control chromosomes, predominantly at a frequency of 0.00056 within the Non-Finnish European subpopulation in the gnomAD database. The observed variant frequency within Non-Finnish European control individuals in the gnomAD database exceeds the estimated maximal expected allele frequency for disease-causing variants in RBM20. To our knowledge, no occurrence of c.2452G>T in individuals affected with RBM20-related conditions and no experimental evidence demonstrating its impact on protein function have been reported. ClinVar contains an entry for this variant (Variation ID: 43990). Based on the evidence outlined above, the variant was classified as likely benign.

PreventionGenetics, part of Exact Sciences
Classification: Likely benign for RBM20-related condition. Last evaluated: 2025-06-20. Review status: criteria provided, single submitter. Criteria: ACMG Guidelines, 2015. Collection method: clinical testing. Allele origin: germline.
Comment: This variant is classified as likely benign based on ACMG/AMP sequence variant interpretation guidelines (Richards et al. 2015 PMID: 25741868, with internal and published modifications).

Blueprint Genetics
Classification: Likely benign. Last evaluated: 2024-10-09. Review status: criteria provided, single submitter. Criteria: ACMG Guidelines, 2015. Collection method: clinical testing. Allele origin: germline.

Ambry Genetics
Classification: Likely benign for Cardiovascular phenotype. Last evaluated: 2018-11-10. Review status: criteria provided, single submitter. Criteria: Ambry Variant Classification Scheme 2023. Collection method: clinical testing. Allele origin: germline.

CHEO Genetics Diagnostic Laboratory, Children's Hospital of Eastern Ontario
Classification: Benign for Cardiomyopathy. Last evaluated: 2018-07-05. Review status: criteria provided, single submitter. Criteria: ACMG Guidelines, 2015. Collection method: clinical testing. Allele origin: germline.

Illumina Laboratory Services, Illumina
Classification: Uncertain significance for Dilated cardiomyopathy 1DD. Last evaluated: 2017-04-27. Review status: criteria provided, single submitter. Criteria: ICSL Variant Classification Criteria 13 December 2019. Collection method: clinical testing. Allele origin: germline.

GeneDx
Classification: Likely benign. Last evaluated: 2015-07-09. Review status: criteria provided, single submitter. Criteria: GeneDx Variant Classification (06012015). Collection method: clinical testing. Allele origin: germline. Affected: yes.
Comment: This variant is considered likely benign or benign based on one or more of the following criteria: it is a conservative change, it occurs at a poorly conserved position in the protein, it is predicted to be benign by multiple in silico algorithms, and/or has population frequency not consistent with disease.

Laboratory for Molecular Medicine, Mass General Brigham Personalized Medicine
Classification: Uncertain significance. Last evaluated: 2015-02-20. Review status: criteria provided, single submitter. Criteria: LMM Criteria. Collection method: clinical testing. Allele origin: germline. Observed: 2 variant alleles.
Comment: proposed classification - variant undergoing re-assessment, contact laboratory

Molecular Diagnostic Laboratory for Inherited Cardiovascular Disease, Montreal Heart Institute
Classification: Uncertain significance. Review status: criteria provided, single submitter. Criteria: ACMG Guidelines, 2015. Collection method: clinical testing. Allele origin: germline. Affected: yes.

NM_001134363.3(RBM20):c.2452G>T (p.Ala818Ser)

Gene: RBM20 (RNA binding motif protein 20; plus strand). Cytogenetic location: 10q25.2.
Variant type: single nucleotide variant.
Coding change: c.2452G>T on transcript NM_001134363.3 (MANE Select); coding-DNA position 2452, G replaced by T.
Protein change: p.Ala818Ser; replaces alanine 818 with serine.
Molecular consequence: missense variant.
Genome position (GRCh38, 1-based): chr10:110,812,849, G>T. VCF-style: chr10-110812849-G-T. GRCh37 (hg19) VCF-style: chr10-112572607-G-T.
Other names: p.A818S:GCC>TCC; short protein forms A818S.
Identifiers: ClinVar variation 43990 (VCV000043990.71), dbSNP rs200271618, ClinGen allele CA133316.